The following is an entry in ClinVar:

ClinVar aggregate classification (germline): Conflicting classifications of pathogenicity. Review status: criteria provided, conflicting classifications (1 of 4 stars). 2 submissions from 2 submitters: Likely pathogenic (1); Uncertain significance (1). Last evaluated 2024-10-15.

Conditions:
PHYH-related disorder. Also called: PHYH-related condition.

Submissions (2):

Labcorp Genetics (formerly Invitae), Labcorp
Classification: Uncertain significance. Last evaluated: 2024-10-15. Review status: criteria provided, single submitter. Criteria: Invitae Variant Classification Sherloc (09022015). Collection method: clinical testing. Allele origin: germline.
Comment: This sequence change affects the initiator methionine of the PHYH mRNA. The next in-frame methionine is located at codon 101. The frequency data for this variant in the population databases is considered unreliable, as metrics indicate poor data quality at this position in the gnomAD database. This variant has not been reported in the literature in individuals affected with PHYH-related conditions. ClinVar contains an entry for this variant (Variation ID: 2140149). Experimental studies and prediction algorithms are not available or were not evaluated, and the functional significance of this variant is currently unknown. In summary, the available evidence is currently insufficient to determine the role of this variant in disease. Therefore, it has been classified as a Variant of Uncertain Significance.

Blueprint Genetics
Classification: Likely pathogenic for PHYH-related disorders. Last evaluated: 2020-08-04. Review status: criteria provided, single submitter. Criteria: ACMG Guidelines, 2015. Collection method: clinical testing. Allele origin: germline. Affected: yes. Observed: 1 variant allele.

NM_006214.4(PHYH):c.2T>C (p.Met1Thr)

Genes: PHYH (phytanoyl-CoA 2-hydroxylase; minus strand), LOC130003374 (ATAC-STARR-seq lymphoblastoid silent region 2152; plus strand). Cytogenetic location: 10p13.
Variant type: single nucleotide variant.
Coding change: c.2T>C on transcript NM_006214.4 (MANE Select); coding-DNA position 2, T replaced by C.
Protein change: p.Met1Thr; changes the start codon (methionine 1).
Molecular consequence: missense variant, initiator codon variant.
Genome position (GRCh38, 1-based): chr10:13,300,041, A>G on the plus strand (T>C on the coding strand, the complement: PHYH is on the minus strand). VCF-style: chr10-13300041-A-G. GRCh37 (hg19) VCF-style: chr10-13342041-A-G.
Other names: c.2T>C, p.Met1Thr (NM_001323082.2, NM_001323083.2); short protein forms M1T.
Identifiers: ClinVar variation 2140149 (VCV002140149.5), dbSNP rs1367538557, ClinGen allele CA376038548.
Genomic context (GRCh38, chr10:13,300,041, plus strand): 5'-GAGGGGCGGCCGAGGTGGCCCAGAACAATCTGCAGACGGGCGGCGGCGCGAAGCTGCTCC[A>G]TGGCTGCGGCGCGGGGAACCCCCACCCCTCCCGGCCTCTGCCCCATTTAGCCCAGCGGGC-3'
Protein context (NP_006205.1, residues 1-11): [Met1Thr]EQLRAAARLQ